The following is an entry in ClinVar:

NM_003664.5(AP3B1):c.2683T>A (p.Phe895Ile)

Gene: AP3B1 (adaptor related protein complex 3 subunit beta 1; minus strand). Cytogenetic location: 5q14.1.
Variant type: single nucleotide variant.
Coding change: c.2683T>A on transcript NM_003664.5 (MANE Select); coding-DNA position 2683, T replaced by A.
Protein change: p.Phe895Ile; replaces phenylalanine 895 with isoleucine.
Molecular consequence: missense variant.
Genome position (GRCh38, 1-based): chr5:78,039,169, A>T on the plus strand (T>A on the coding strand, the complement: AP3B1 is on the minus strand). VCF-style: chr5-78039169-A-T. GRCh37 (hg19) VCF-style: chr5-77334993-A-T.
Other names: c.2536T>A, p.Phe846Ile (NM_001271769.2); short protein forms F895I, F846I.
Identifiers: ClinVar variation 957641 (VCV000957641.9), dbSNP rs1747942141, ClinGen allele CA360332118.

ClinVar aggregate classification (germline): Uncertain significance (1 of 4 stars; one submission).

Conditions:
Hermansky-Pudlak syndrome 2 (HPS2). Also called: Platelet defects and oculocutaneous albinism. Identifiers: Orphanet 183678, Orphanet 79430, MedGen C1842362, MONDO:0011997, OMIM 608233.

Submission:

Labcorp Genetics (formerly Invitae), Labcorp
Classification: Uncertain significance for Hermansky-Pudlak syndrome 2. Last evaluated: 2026-01-26. Review status: criteria provided, single submitter. Criteria: Invitae Variant Classification Sherloc (09022015). Collection method: clinical testing. Allele origin: germline.
Comment: This sequence change replaces phenylalanine, which is neutral and non-polar, with isoleucine, which is neutral and non-polar, at codon 895 of the AP3B1 protein (p.Phe895Ile). This variant is not present in population databases (gnomAD no frequency). This variant has not been reported in the literature in individuals affected with AP3B1-related conditions. ClinVar contains an entry for this variant (Variation ID: 957641). An algorithm developed to predict the effect of missense changes on protein structure and function (PolyPhen-2) suggests that this variant is likely to be tolerated. In summary, the available evidence is currently insufficient to determine the role of this variant in disease. Therefore, it has been classified as a Variant of Uncertain Significance.